The following is an entry in ClinVar:

NM_014336.5(AIPL1):c.215G>A (p.Trp72Ter)

Gene: AIPL1 (AIP like 1 HSP90 co-chaperone; minus strand). Cytogenetic location: 17p13.2.
Variant type: single nucleotide variant.
Coding change: c.215G>A on transcript NM_014336.5 (MANE Select); coding-DNA position 215, G replaced by A.
Protein change: p.Trp72Ter; replaces tryptophan 72 with a stop codon.
Molecular consequence: nonsense. On other transcripts: intron variant (1).
Genome position (GRCh38, 1-based): chr17:6,433,980, C>T on the plus strand (G>A on the coding strand, the complement: AIPL1 is on the minus strand). VCF-style: chr17-6433980-C-T. GRCh37 (hg19) VCF-style: chr17-6337300-C-T.
Other names: c.215G>A, p.Trp72Ter (NM_001033054.3, NM_001285401.3, NM_001285403.4); c.179G>A, p.Trp60Ter (NM_001285399.3); c.149G>A, p.Trp50Ter (NM_001285400.3); c.98G>A, p.Trp33Ter (NM_001285402.2); c.96+1029G>A (NM_001033055.3); c.215G>A (NM_014336.3); short protein forms W33*, W50*, W60*, W72*.
Identifiers: ClinVar variation 812218 (VCV000812218.10), dbSNP rs1468041544, ClinGen allele CA397397294.

ClinVar aggregate classification (germline): Pathogenic. Review status: criteria provided, multiple submitters, no conflicts (2 of 4 stars). 3 submissions from 3 submitters: Pathogenic (2). 1 of the submissions does not count toward it. Last evaluated 2022-12-14.

Conditions:
Leber congenital amaurosis (LCA). Also called: Leber's amaurosis. Identifiers: Orphanet 65, MedGen C0339527, MeSH D057130, MONDO:0018998.
Leber congenital amaurosis 4 (LCA4). Identifiers: MedGen C1858386, MONDO:0011458, OMIM 604393.

Allele frequency attached by ClinVar (database versions not stated): gnomAD exomes below 0.00001; TOPMed 0.00002.
gnomAD v4.1: 2 of 1,613,988 alleles (0.00012%); highest among the groups gnomAD compares: African/African-American, 0.0027%; no homozygotes.

Submissions (3):

Labcorp Genetics (formerly Invitae), Labcorp
Classification: Pathogenic for Leber congenital amaurosis 4. Last evaluated: 2022-12-14. Review status: criteria provided, single submitter. Criteria: Invitae Variant Classification Sherloc (09022015). Collection method: clinical testing. Allele origin: germline.
Comment: For these reasons, this variant has been classified as Pathogenic. ClinVar contains an entry for this variant (Variation ID: 812218). This premature translational stop signal has been observed in individual(s) with Leber congenital amaurosis (PMID: 20702822). The frequency data for this variant in the population databases is considered unreliable, as metrics indicate poor data quality at this position in the gnomAD database. This sequence change creates a premature translational stop signal (p.Trp72*) in the AIPL1 gene. It is expected to result in an absent or disrupted protein product. Loss-of-function variants in AIPL1 are known to be pathogenic (PMID: 10615133, 15249368, 15347646).

GeneDx
Classification: Pathogenic. Last evaluated: 2022-11-02. Review status: criteria provided, single submitter. Criteria: GeneDx Variant Classification Process June 2021. Collection method: clinical testing. Allele origin: germline. Affected: yes.
Comment: Identified in a family with Leber congenital amaurosis in the published literature, however detailed segregation data was not provided (Sharon et al., 2020); Nonsense variant predicted to result in protein truncation or nonsense mediated decay in a gene for which loss of function is a known mechanism of disease; Not observed at significant frequency in large population cohorts (gnomAD); This variant is associated with the following publications: (PMID: 31456290)

Sharon lab, Hadassah-Hebrew University Medical Center
Classification: Pathogenic for Leber congenital amaurosis. Last evaluated: 2019-06-23. Review status: no assertion criteria provided. Collection method: research. Allele origin: inherited. Affected: yes. Not counted in ClinVar's aggregate classification.

Literature cited by the submitters: PubMed 20702822 (cited by Labcorp Genetics (formerly Invitae), Labcorp); PubMed 10615133 (cited by Labcorp Genetics (formerly Invitae), Labcorp); PubMed 15249368 (cited by Labcorp Genetics (formerly Invitae), Labcorp); PubMed 15347646 (cited by Labcorp Genetics (formerly Invitae), Labcorp).